The following is an entry in ClinVar:

NM_001375524.1(TRRAP):c.922C>G (p.Gln308Glu)

Gene: TRRAP (transformation/transcription domain associated protein; plus strand). Cytogenetic location: 7q22.1.
Variant type: single nucleotide variant.
Coding change: c.922C>G on transcript NM_001375524.1 (MANE Select); coding-DNA position 922, C replaced by G.
Protein change: p.Gln308Glu; replaces glutamine 308 with glutamic acid.
Molecular consequence: missense variant.
Genome position (GRCh38, 1-based): chr7:98,903,403, C>G. VCF-style: chr7-98903403-C-G. GRCh37 (hg19) VCF-style: chr7-98501026-C-G.
Other names: c.922C>G, p.Gln308Glu (NM_001244580.2, NM_003496.4); short protein forms Q308E.
Identifiers: ClinVar variation 3360727 (VCV003360727.2).

ClinVar aggregate classification (germline): Uncertain significance (1 of 4 stars; one submission).

Submission:

GeneDx
Classification: Uncertain significance. Last evaluated: 2025-10-02. Review status: criteria provided, single submitter. Criteria: GeneDx Variant Classification Process June 2021. Collection method: clinical testing. Allele origin: germline.
Comment: Not observed at significant frequency in large population cohorts (gnomAD); In silico analysis suggests that this missense variant does not alter protein structure/function; Has not been previously published as pathogenic or benign to our knowledge